The following is an entry in ClinVar:

NM_000238.4(KCNH2):c.2200C>G (p.Arg734Gly)

Gene: KCNH2 (potassium voltage-gated channel subfamily H member 2; minus strand). Cytogenetic location: 7q36.1.
Variant type: single nucleotide variant.
Coding change: c.2200C>G on transcript NM_000238.4 (MANE Select); coding-DNA position 2200, C replaced by G.
Protein change: p.Arg734Gly; replaces arginine 734 with glycine.
Molecular consequence: missense variant.
Genome position (GRCh38, 1-based): chr7:150,950,366, G>C on the plus strand (C>G on the coding strand, the complement: KCNH2 is on the minus strand). VCF-style: chr7-150950366-G-C. GRCh37 (hg19) VCF-style: chr7-150647454-G-C.
Other names: c.1180C>G, p.Arg394Gly (NM_001204798.2, NM_172057.3); c.1912C>G, p.Arg638Gly (NM_001406753.1, NM_001406756.1); c.2023C>G, p.Arg675Gly (NM_001406755.1); c.1900C>G, p.Arg634Gly (NM_001406757.1); c.2200C>G, p.Arg734Gly (NM_172056.3); short protein forms R394G, R734G, R638G, R675G, R634G.
Identifiers: ClinVar variation 1332169 (VCV001332169.6), dbSNP rs143072395, ClinGen allele CA369856586.

ClinVar aggregate classification (germline): Uncertain significance (1 of 4 stars; one submission).

Conditions:
Cardiac arrhythmia. Also called: Arrhythmia; Cardiac rhythm disease. Identifiers: MedGen C0003811, MONDO:0007263, HP:0011675.

Submission:

Color Diagnostics, LLC DBA Color Health
Classification: Uncertain significance for Cardiac arrhythmia. Last evaluated: 2024-03-07. Review status: criteria provided, single submitter. Criteria: ACMG Guidelines, 2015. Collection method: clinical testing. Allele origin: germline.
Comment: This missense variant replaces arginine with glycine at codon 734 of the KCNH2 protein. Computational prediction suggests that this variant may have deleterious impact on protein structure and function (internally defined REVEL score threshold >= 0.7, PMID: 27666373). To our knowledge, functional studies have not been reported for this variant. This variant has not been reported in individuals affected with cardiovascular disorders in the literature. This variant has not been identified in the general population by the Genome Aggregation Database (gnomAD). The available evidence is insufficient to determine the role of this variant in disease conclusively. Therefore, this variant is classified as a Variant of Uncertain Significance.